The following is an entry in ClinVar:

ClinVar aggregate classification (germline): Uncertain significance (1 of 4 stars; one submission).

gnomAD v4.1: 8 of 1,613,824 alleles (0.0005%); highest among the groups gnomAD compares: South Asian, 0.0055%; no homozygotes.

Submission:

Labcorp Genetics (formerly Invitae), Labcorp
Classification: Uncertain significance. Last evaluated: 2025-06-30. Review status: criteria provided, single submitter. Criteria: Invitae Variant Classification Sherloc (09022015). Collection method: clinical testing. Allele origin: germline.
Comment: This sequence change replaces serine, which is neutral and polar, with phenylalanine, which is neutral and non-polar, at codon 630 of the MME protein (p.Ser630Phe). This variant is present in population databases (rs200787530, gnomAD 0.006%). This variant has not been reported in the literature in individuals affected with MME-related conditions. ClinVar contains an entry for this variant (Variation ID: 3693974). Invitae Evidence Modeling of protein sequence and biophysical properties (such as structural, functional, and spatial information, amino acid conservation, physicochemical variation, residue mobility, and thermodynamic stability) indicates that this missense variant is not expected to disrupt MME protein function with a negative predictive value of 80%. In summary, the available evidence is currently insufficient to determine the role of this variant in disease. Therefore, it has been classified as a Variant of Uncertain Significance.

NM_007289.4(MME):c.1889C>T (p.Ser630Phe)

Gene: MME (membrane metalloendopeptidase; plus strand). Cytogenetic location: 3q25.2.
Variant type: single nucleotide variant.
Coding change: c.1889C>T on transcript NM_007289.4 (MANE Select); coding-DNA position 1889, C replaced by T.
Protein change: p.Ser630Phe; replaces serine 630 with phenylalanine.
Molecular consequence: missense variant.
Genome position (GRCh38, 1-based): chr3:155,168,600, C>T. VCF-style: chr3-155168600-C-T. GRCh37 (hg19) VCF-style: chr3-154886389-C-T.
Other names: c.1889C>T, p.Ser630Phe (NM_000902.5, NM_001354642.2, NM_001354643.1 and 2 more transcripts); short protein forms S630F.
Identifiers: ClinVar variation 3693974 (VCV003693974.2).